The following is an entry in ClinVar:

ClinVar aggregate classification (germline): Likely pathogenic. Review status: criteria provided, multiple submitters, no conflicts (2 of 4 stars). 2 submissions from 2 submitters: Likely pathogenic (2). Last evaluated 2024-06-13.

Conditions:
Developmental and epileptic encephalopathy, 43 (DEE43). Also called: Epileptic encephalopathy, early infantile, 43. Identifiers: MedGen C4310712, MONDO:0014921, OMIM 617113.
Epilepsy, childhood absence, susceptibility to, 1. Also called: Epilepsy, childhood absence 1. Identifiers: Orphanet 64280, MedGen C1838604, MONDO:0020759, OMIM 600131.
Epilepsy, childhood absence, susceptibility to, 5. Identifiers: Orphanet 64280, MedGen C2677087, MONDO:0012843, OMIM 612269.

Submissions (2):

Labcorp Genetics (formerly Invitae), Labcorp
Classification: Likely pathogenic for Epilepsy, childhood absence, susceptibility to, 5; Epilepsy, childhood absence, susceptibility to, 1. Last evaluated: 2024-06-13. Review status: criteria provided, single submitter. Criteria: Invitae Variant Classification Sherloc (09022015). Collection method: clinical testing. Allele origin: germline.
Comment: This sequence change replaces glutamic acid, which is acidic and polar, with glutamine, which is neutral and polar, at codon 77 of the GABRB3 protein (p.Glu77Gln). This variant is not present in population databases (gnomAD no frequency). This variant has not been reported in the literature in individuals affected with GABRB3-related conditions. Advanced modeling of protein sequence and biophysical properties (such as structural, functional, and spatial information, amino acid conservation, physicochemical variation, residue mobility, and thermodynamic stability) performed at Invitae indicates that this missense variant is expected to disrupt GABRB3 protein function with a positive predictive value of 95%. This variant disrupts the p.Glu77 amino acid residue in GABRB3. Other variant(s) that disrupt this residue have been determined to be pathogenic (PMID: 29852413, 33585817, 35718920). This suggests that this residue is clinically significant, and that variants that disrupt this residue are likely to be disease-causing. In summary, the currently available evidence indicates that the variant is pathogenic, but additional data are needed to prove that conclusively. Therefore, this variant has been classified as Likely Pathogenic.

Suma Genomics
Classification: Likely pathogenic for Developmental and epileptic encephalopathy, 43. Review status: criteria provided, single submitter. Criteria: ACMG Guidelines, 2015. Collection method: clinical testing. Allele origin: de novo. Inheritance: Autosomal dominant inheritance. Affected: yes. Observed: 1 heterozygote.
Comment: In-silico analysis tool REVEL is consistent in predicting this variant to be disease-causing. ACMG classification: Likely pathogenic Crteria met: PM1: Non-truncating non-synonymous variant is located in a mutational hot spot and/or critical and well-established functional domain PM2_Supporting: Extremely low frequency in gnomAD population databases PM5: Different amino acid change as a known pathogenic variant PM6: De novo in a patient with phenotype consistency, no family history and both maternity and paternity are assumed.

Literature cited by the submitters: PubMed 29852413 (cited by Labcorp Genetics (formerly Invitae), Labcorp); PubMed 33585817 (cited by Labcorp Genetics (formerly Invitae), Labcorp); PubMed 35718920 (cited by Labcorp Genetics (formerly Invitae), Labcorp).

NM_000814.6(GABRB3):c.229G>C (p.Glu77Gln)

Gene: GABRB3 (gamma-aminobutyric acid type A receptor subunit beta3; minus strand). Cytogenetic location: 15q12.
Variant type: single nucleotide variant.
Coding change: c.229G>C on transcript NM_000814.6 (MANE Select); coding-DNA position 229, G replaced by C.
Protein change: p.Glu77Gln; replaces glutamic acid 77 with glutamine.
Molecular consequence: missense variant. On other transcripts: 5 prime UTR variant (1).
Genome position (GRCh38, 1-based): chr15:26,772,413, C>G on the plus strand (G>C on the coding strand, the complement: GABRB3 is on the minus strand). VCF-style: chr15-26772413-C-G. GRCh37 (hg19) VCF-style: chr15-27017560-C-G.
Other names: c.-123G>C (NM_001278631.2); c.229G>C, p.Glu77Gln (NM_021912.5); short protein forms E77Q.
Identifiers: ClinVar variation 3754031 (VCV003754031.2).